The following is an entry in ClinVar:

NM_005359.6(SMAD4):c.788-20A>G

Gene: SMAD4 (SMAD family member 4; plus strand). Cytogenetic location: 18q21.2.
Variant type: single nucleotide variant.
Coding change: c.788-20A>G on transcript NM_005359.6 (MANE Select); 20 bases into the intron before coding-DNA position 788, A replaced by G.
Molecular consequence: intron variant.
Genome position (GRCh38, 1-based): chr18:51,058,320, A>G. VCF-style: chr18-51058320-A-G. GRCh37 (hg19) VCF-style: chr18-48584690-A-G.
Other names: c.788-20A>G (NM_001407042.1, NM_001407041.1, NM_001407043.1).
Identifiers: ClinVar variation 3903495 (VCV003903495.1).

ClinVar aggregate classification (germline): Likely benign (1 of 4 stars; one submission).

Conditions:
Juvenile polyposis/hereditary hemorrhagic telangiectasia syndrome (JPHT). Also called: JP/HHT SYNDROME; JUVENILE POLYPOSIS WITH HEREDITARY HEMORRHAGIC TELANGIECTASIA; POLYPOSIS, GENERALIZED JUVENILE, WITH PULMONARY ARTERIOVENOUS MALFORMATION; TELANGIECTASIA, HEREDITARY HEMORRHAGIC, WITH JUVENILE POLYPOSIS COLI; Juvenile Polyposis Syndrome / Hereditary Hemorrhagic Telangiectasia (JPS/HHT). Identifiers: Orphanet 2929, MedGen C1832942, MONDO:0008278, OMIM 175050.

gnomAD v4.1: 1 of 1,609,592 alleles (0.000062%); highest among the groups gnomAD compares: South Asian, 0.0011%; no homozygotes.

Submission:

Myriad Genetics, Inc.
Classification: Likely benign for Juvenile polyposis/hereditary hemorrhagic telangiectasia syndrome. Last evaluated: 2025-03-20. Review status: criteria provided, single submitter. Criteria: Myriad Autosomal Dominant, Autosomal Recessive and X-Linked Classification Criteria (2023). Collection method: clinical testing. Allele origin: unknown.
Comment: This variant is considered likely benign. This variant is intronic and is not expected to impact mRNA splicing.